The following is an entry in ClinVar:

NM_001170629.2(CHD8):c.1559A>G (p.Lys520Arg)

Gene: CHD8 (chromodomain helicase DNA binding protein 8; minus strand). Cytogenetic location: 14q11.2.
Variant type: single nucleotide variant.
Coding change: c.1559A>G on transcript NM_001170629.2 (MANE Select); coding-DNA position 1559, A replaced by G.
Protein change: p.Lys520Arg; replaces lysine 520 with arginine.
Molecular consequence: missense variant.
Genome position (GRCh38, 1-based): chr14:21,427,911, T>C on the plus strand (A>G on the coding strand, the complement: CHD8 is on the minus strand). VCF-style: chr14-21427911-T-C. GRCh37 (hg19) VCF-style: chr14-21896070-T-C.
Other names: c.722A>G, p.Lys241Arg (NM_020920.4); short protein forms K241R, K520R.
Identifiers: ClinVar variation 420487 (VCV000420487.2), dbSNP rs1064794510, ClinGen allele CA16619839.

ClinVar aggregate classification (germline): Uncertain significance (1 of 4 stars; one submission).

Submission:

GeneDx
Classification: Uncertain significance. Last evaluated: 2016-03-03. Review status: criteria provided, single submitter. Criteria: GeneDx Variant Classification (06012015). Collection method: clinical testing. Allele origin: germline. Affected: yes.
Comment: The K520R variant in the CHD8 gene has not been reported previously as a pathogenic variant, nor as a benign variant, to our knowledge. This variant was not observed in approximately 6200 individuals of European and African American ancestry in the NHLBI Exome Sequencing Project, indicating it is not a common benign variant in these populations. The K520R variant is a conservative amino acid substitution, which is not likely to impact secondary protein structure as these residues share similar properties. This substitution occurs at a position that is conserved in mammals. In silico analysis is inconsistent in its predictions as to whether or not the variant is damaging to the protein structure/function. We interpret K520R as a variant of uncertain significance